The following is an entry in ClinVar:

ClinVar aggregate classification (germline): Uncertain significance. Review status: criteria provided, multiple submitters, no conflicts (2 of 4 stars). 4 submissions from 4 submitters: Uncertain significance (3). 1 of the submissions does not count toward it. Last evaluated 2025-02-23.

Conditions:
Dilated cardiomyopathy 3B (CMD3B). Also called: CMD3B: DMD-Related Dilated Cardiomyopathy; CARDIOMYOPATHY, DILATED, X-LINKED; DMD-Associated Dilated Cardiomyopathy. Identifiers: Orphanet 154, MedGen C3668940, MONDO:0010542, OMIM 302045.
Duchenne muscular dystrophy (DMD). Also called: MUSCULAR DYSTROPHY, PSEUDOHYPERTROPHIC PROGRESSIVE, DUCHENNE TYPE; Duchenne Muscular Dystrophy (DMD). Identifiers: Orphanet 98896, MedGen C0013264, MONDO:0010679, OMIM 310200.
Cardiovascular phenotype. Identifiers: MedGen CN230736.
Becker muscular dystrophy (BMD). Also called: MUSCULAR DYSTROPHY, PSEUDOHYPERTROPHIC PROGRESSIVE, BECKER TYPE; Becker Muscular Dystrophy (BMD). Identifiers: Orphanet 98895, MedGen C0917713, MONDO:0010311, OMIM 300376.
Cardiomyopathy (CMYO). Also called: Cardiomyopathies. Identifiers: Orphanet 167848, MedGen C0878544, MONDO:0004994, HP:0001638. Inheritance: Various modes of inheritance.
Dystrophin deficiency.

Allele frequency attached by ClinVar (database versions not stated): TOPMed 0.00001; gnomAD 0.00002; gnomAD exomes 0.00003.
gnomAD v4.1: 29 of 1,208,841 alleles (0.0024%); highest among the groups gnomAD compares: African/African-American, 0.0035%; no homozygotes.

Submissions (4):

Labcorp Genetics (formerly Invitae), Labcorp
Classification: Uncertain significance for Duchenne muscular dystrophy. Last evaluated: 2025-02-23. Review status: criteria provided, single submitter. Criteria: Invitae Variant Classification Sherloc (09022015). Collection method: clinical testing. Allele origin: germline.
Comment: This sequence change replaces proline, which is neutral and non-polar, with serine, which is neutral and polar, at codon 1755 of the DMD protein (p.Pro1755Ser). This variant is not present in population databases (gnomAD no frequency). This variant has not been reported in the literature in individuals affected with DMD-related conditions. ClinVar contains an entry for this variant (Variation ID: 368243). Invitae Evidence Modeling of protein sequence and biophysical properties (such as structural, functional, and spatial information, amino acid conservation, physicochemical variation, residue mobility, and thermodynamic stability) indicates that this missense variant is not expected to disrupt DMD protein function with a negative predictive value of 95%. In summary, the available evidence is currently insufficient to determine the role of this variant in disease. Therefore, it has been classified as a Variant of Uncertain Significance.

Ambry Genetics
Classification: Uncertain significance for Cardiovascular phenotype. Last evaluated: 2020-05-28. Review status: criteria provided, single submitter. Criteria: Ambry Variant Classification Scheme 2023. Collection method: clinical testing. Allele origin: germline.
Comment: The p.P1755S variant (also known as c.5263C>T), located in coding exon 37 of the DMD gene, results from a C to T substitution at nucleotide position 5263. The proline at codon 1755 is replaced by serine, an amino acid with similar properties. This amino acid position is well conserved in available vertebrate species; however, serine is the reference amino acid in other vertebrate species. In addition, this alteration is predicted to be tolerated by in silico analysis. Since supporting evidence is limited at this time, the clinical significance of this alteration remains unclear.

Illumina Laboratory Services, Illumina
Classification: Uncertain significance for Dilated cardiomyopathy 3B. Last evaluated: 2018-01-12. Review status: criteria provided, single submitter. Criteria: ICSL Variant Classification Criteria 13 December 2019. Collection method: clinical testing. Allele origin: germline.

Natera, Inc.
Classification: Uncertain significance for Becker muscular dystrophy; Cardiomyopathy; Duchenne muscular dystrophy; Dystrophin deficiency. Last evaluated: 2019-07-09. Review status: no assertion criteria provided. Collection method: clinical testing. Allele origin: germline. Not counted in ClinVar's aggregate classification.

NM_004006.3(DMD):c.5263C>T (p.Pro1755Ser)

Gene: DMD (dystrophin; minus strand). Cytogenetic location: Xp21.1.
Variant type: single nucleotide variant.
Coding change: c.5263C>T on transcript NM_004006.3 (MANE Select); coding-DNA position 5263, C replaced by T.
Protein change: p.Pro1755Ser; replaces proline 1755 with serine.
Molecular consequence: missense variant.
Genome position (GRCh38, 1-based): chrX:32,362,850, G>A on the plus strand (C>T on the coding strand, the complement: DMD is on the minus strand). VCF-style: chrX-32362850-G-A. GRCh37 (hg19) VCF-style: chrX-32380967-G-A.
Other names: c.5239C>T, p.Pro1747Ser (NM_000109.4); c.5251C>T, p.Pro1751Ser (NM_004009.3); c.4894C>T, p.Pro1632Ser (NM_004010.3); c.1240C>T, p.Pro414Ser (NM_004011.4); c.1231C>T, p.Pro411Ser (NM_004012.4); short protein forms P1755S, P1751S, P411S, P1632S, P1747S, P414S.
Identifiers: ClinVar variation 368243 (VCV000368243.12), dbSNP rs1057515872, ClinGen allele CA10646119.